The following is an entry in ClinVar:

NM_033272.4(KCNH7):c.2841G>A (p.Pro947=)

Gene: KCNH7 (potassium voltage-gated channel subfamily H member 7; minus strand). Cytogenetic location: 2q24.2.
Variant type: single nucleotide variant.
Coding change: c.2841G>A on transcript NM_033272.4 (MANE Select); coding-DNA position 2841, G replaced by A.
Protein change: p.Pro947=; no amino-acid change (proline 947 retained).
Molecular consequence: synonymous variant.
Genome position (GRCh38, 1-based): chr2:162,384,809, C>T on the plus strand (G>A on the coding strand, the complement: KCNH7 is on the minus strand). VCF-style: chr2-162384809-C-T. GRCh37 (hg19) VCF-style: chr2-163241319-C-T.
Identifiers: ClinVar variation 3050065 (VCV003050065.2), dbSNP rs375210957, ClinGen allele CA1935414.

ClinVar aggregate classification (germline): Likely benign (0 of 4 stars; one submission).

Conditions:
KCNH7-related disorder. Also called: KCNH7-related condition.

Allele frequency attached by ClinVar (database versions not stated): gnomAD exomes 0.00004; ESP Exome Variant Server 0.00008; gnomAD 0.00016; ExAC 0.00017; TOPMed 0.00020.
gnomAD v4.1: 88 of 1,612,698 alleles (0.0055%); highest among the groups gnomAD compares: African/African-American, 0.053%; no homozygotes.

Submission:

PreventionGenetics, part of Exact Sciences
Classification: Likely benign for KCNH7-related condition. Last evaluated: 2019-10-28. Review status: no assertion criteria provided. Collection method: clinical testing. Allele origin: germline.
Comment: This variant is classified as likely benign based on ACMG/AMP sequence variant interpretation guidelines (Richards et al. 2015 PMID: 25741868, with internal and published modifications).